The following is an entry in ClinVar:

ClinVar aggregate classification (germline): Uncertain significance (1 of 4 stars; one submission).

Conditions:
Hereditary cancer-predisposing syndrome. Also called: Hereditary neoplastic syndrome; Hereditary Cancer Syndrome; Neoplastic Syndromes, Hereditary; Tumor predisposition. Identifiers: Orphanet 140162, MedGen C0027672, MeSH D009386, MONDO:0015356.

Allele frequency attached by ClinVar (database versions not stated): gnomAD exomes below 0.00001.
gnomAD v4.1: 1 of 1,613,020 alleles (0.000062%); highest among the groups gnomAD compares: East Asian, 0.0022%; no homozygotes.

Submission:

Ambry Genetics
Classification: Uncertain significance for Hereditary cancer-predisposing syndrome. Last evaluated: 2014-11-12. Review status: criteria provided, single submitter. Criteria: Ambry Variant Classification Scheme 2023. Collection method: clinical testing. Allele origin: germline.
Comment: The p.N496T variant (also known as c.1487A>C), located in coding exon 10 of the RAD50 gene, results from an A to C substitution at nucleotide position 1487. The asparagine at codon 496 is replaced by threonine, an amino acid with similar properties. This variant was not reported in population based cohorts in the following databases: Database of Single Nucleotide Polymorphisms (dbSNP), NHLBI Exome Sequencing Project (ESP), and 1000 Genomes Project. In the ESP, this variant was not observed in 6503 samples (13006 alleles) with coverage at this position. To date, this alteration has been detected with an allele frequency of approximately 0.005% (greater than 22000 alleles tested) in our clinical cohort. This amino acid position is not well conserved in available vertebrate species. In addition, this alteration is predicted to be benign and tolerated by PolyPhen and SIFT in silico analyses, respectively. Since supporting evidence is limited at this time, the clinical significance of p.N496T remains unclear.

NM_005732.4(RAD50):c.1487A>C (p.Asn496Thr)

Gene: RAD50 (RAD50 double strand break repair protein; plus strand). Cytogenetic location: 5q31.1.
Variant type: single nucleotide variant.
Coding change: c.1487A>C on transcript NM_005732.4 (MANE Select); coding-DNA position 1487, A replaced by C.
Protein change: p.Asn496Thr; replaces asparagine 496 with threonine.
Molecular consequence: missense variant.
Genome position (GRCh38, 1-based): chr5:132,591,258, A>C. VCF-style: chr5-132591258-A-C. GRCh37 (hg19) VCF-style: chr5-131926950-A-C.
Other names: short protein forms N496T.
Identifiers: ClinVar variation 229685 (VCV000229685.5), dbSNP rs876658141, ClinGen allele CA10578531.